The following is an entry in ClinVar:

NM_032898.5(CEP19):c.474G>T (p.Glu158Asp)

Gene: CEP19 (centrosomal protein 19; minus strand). Cytogenetic location: 3q29.
Variant type: single nucleotide variant.
Coding change: c.474G>T on transcript NM_032898.5 (MANE Select); coding-DNA position 474, G replaced by T.
Protein change: p.Glu158Asp; replaces glutamic acid 158 with aspartic acid.
Molecular consequence: missense variant.
Genome position (GRCh38, 1-based): chr3:196,707,569, C>A on the plus strand (G>T on the coding strand, the complement: CEP19 is on the minus strand). VCF-style: chr3-196707569-C-A. GRCh37 (hg19) VCF-style: chr3-196434440-C-A.
Other names: short protein forms E158D.
Identifiers: ClinVar variation 862870 (VCV000862870.8), dbSNP rs1355388632, ClinGen allele CA355633921.
Genomic context (GRCh38, chr3:196,707,569, plus strand): 5'-TGGATATTCTGCTAGCCCAATGCATGTTTTGAGTGTTTGGTATCAGAACTCATCAGCTGA[C>A]TCTGTGTCCCAGCCACAGGACTGCAGTTGATCGTCCTGTGGAAATTCAACCTCAATGTCA-3'
Protein context (NP_116287.3, residues 148-163): DQLQSCGWDT[Glu158Asp]SADEF

ClinVar aggregate classification (germline): Uncertain significance (1 of 4 stars; one submission).

Allele frequency attached by ClinVar (database versions not stated): gnomAD exomes below 0.00001; TOPMed below 0.00001.
gnomAD v4.1: 2 of 1,610,026 alleles (0.00012%); highest among the groups gnomAD compares: Non-Finnish European, 0.00017%; no homozygotes.

Submission:

Labcorp Genetics (formerly Invitae), Labcorp
Classification: Uncertain significance. Last evaluated: 2019-12-31. Review status: criteria provided, single submitter. Criteria: Invitae Variant Classification Sherloc (09022015). Collection method: clinical testing. Allele origin: germline.
Comment: In summary, the available evidence is currently insufficient to determine the role of this variant in disease. Therefore, it has been classified as a Variant of Uncertain Significance. Algorithms developed to predict the effect of missense changes on protein structure and function (SIFT, PolyPhen-2, Align-GVGD) all suggest that this variant is likely to be tolerated, but these predictions have not been confirmed by published functional studies and their clinical significance is uncertain. This variant has not been reported in the literature in individuals with CEP19-related conditions. This variant is not present in population databases (ExAC no frequency). This sequence change replaces glutamic acid with aspartic acid at codon 162 of the CEP19 protein (p.Glu162Asp). The glutamic acid residue is moderately conserved and there is a small physicochemical difference between glutamic acid and aspartic acid.